The following is an entry in ClinVar:

ClinVar aggregate classification (germline): Pathogenic (1 of 4 stars; one submission).

Conditions:
Hypertrophic cardiomyopathy. Also called: HYPERTROPHIC MYOCARDIOPATHY. Identifiers: Orphanet 217569, MedGen C0007194, MeSH D002312, MONDO:0005045, HP:0001639.

Submission:

Labcorp Genetics (formerly Invitae), Labcorp
Classification: Pathogenic for Hypertrophic cardiomyopathy. Last evaluated: 2025-02-05. Review status: criteria provided, single submitter. Criteria: Invitae Variant Classification Sherloc (09022015). Collection method: clinical testing. Allele origin: germline.
Comment: This sequence change creates a premature translational stop signal (p.Leu979Profs*12) in the MYBPC3 gene. It is expected to result in an absent or disrupted protein product. Loss-of-function variants in MYBPC3 are known to be pathogenic (PMID: 19574547). This variant is not present in population databases (gnomAD no frequency). This variant has not been reported in the literature in individuals affected with MYBPC3-related conditions. ClinVar contains an entry for this variant (Variation ID: 2700754). For these reasons, this variant has been classified as Pathogenic.

Literature cited by the submitters: PubMed 19574547.

NM_000256.3(MYBPC3):c.2936_2939del (p.Leu979fs)

Gene: MYBPC3 (myosin binding protein C3; minus strand). Cytogenetic location: 11p11.2.
Variant type: Deletion.
Coding change: c.2936_2939del on transcript NM_000256.3 (MANE Select); coding-DNA positions 2936 to 2939, 4 bases deleted (TGCG; older notation c.2936_2939delTGCG).
Protein change: p.Leu979fs; shifts the reading frame from leucine 979.
Molecular consequence: frameshift variant.
Genome position (GRCh38, 1-based): chr11:47,333,977-47,333,980, CGCA deleted on the plus strand (TGCG on the coding strand, the reverse complement: MYBPC3 is on the minus strand). VCF-style (leftmost placement, unchanged base first): chr11-47333976-GCGCA-G. GRCh37 (hg19) VCF-style: chr11-47355527-GCGCA-G.
Other names: short protein forms L979fs.
Identifiers: ClinVar variation 2700754 (VCV002700754.3), dbSNP rs2495742791, ClinGen allele CA2697548547.